The following is an entry in ClinVar:

NM_000632.4(ITGAM):c.1807G>A (p.Val603Ile)

Gene: ITGAM (integrin subunit alpha M; plus strand). Cytogenetic location: 16p11.2.
Variant type: single nucleotide variant.
Coding change: c.1807G>A on transcript NM_000632.4 (MANE Select); coding-DNA position 1807, G replaced by A.
Protein change: p.Val603Ile; replaces valine 603 with isoleucine.
Molecular consequence: missense variant.
Genome position (GRCh38, 1-based): chr16:31,321,340, G>A. VCF-style: chr16-31321340-G-A. GRCh37 (hg19) VCF-style: chr16-31332661-G-A.
Other names: c.1810G>A, p.Val604Ile (NM_001145808.2); short protein forms V604I, V603I.
Identifiers: ClinVar variation 3530496 (VCV003530496.3).

ClinVar aggregate classification (germline): Uncertain significance. Review status: criteria provided, multiple submitters, no conflicts (2 of 4 stars). 2 submissions from 2 submitters: Uncertain significance (2). Last evaluated 2025-04-07.

gnomAD v4.1: 58 of 1,613,940 alleles (0.0036%); highest among the groups gnomAD compares: Non-Finnish European, 0.0043%; no homozygotes.

Submissions (2):

Labcorp Genetics (formerly Invitae), Labcorp
Classification: Uncertain significance. Last evaluated: 2025-04-07. Review status: criteria provided, single submitter. Criteria: Invitae Variant Classification Sherloc (09022015). Collection method: clinical testing. Allele origin: germline.
Comment: This sequence change replaces valine, which is neutral and non-polar, with isoleucine, which is neutral and non-polar, at codon 603 of the ITGAM protein (p.Val603Ile). This variant is present in population databases (rs750431617, gnomAD 0.006%). This variant has not been reported in the literature in individuals affected with ITGAM-related conditions. ClinVar contains an entry for this variant (Variation ID: 3530496). An algorithm developed to predict the effect of missense changes on protein structure and function outputs the following: PolyPhen-2: "Benign". The isoleucine amino acid residue is found in multiple mammalian species, which suggests that this missense change does not adversely affect protein function. In summary, the available evidence is currently insufficient to determine the role of this variant in disease. Therefore, it has been classified as a Variant of Uncertain Significance.

Ambry Genetics
Classification: Uncertain significance. Last evaluated: 2024-07-31. Review status: criteria provided, single submitter. Criteria: Ambry Variant Classification Scheme 2023. Collection method: clinical testing. Allele origin: germline.